The following is an entry in ClinVar:

ClinVar aggregate classification (germline): Likely benign (0 of 4 stars; one submission).

Conditions:
AR-related disorder. Also called: AR-related condition.

Allele frequency attached by ClinVar (database versions not stated): TOPMed 0.00001.

Submission:

PreventionGenetics, part of Exact Sciences
Classification: Likely benign for AR-related condition. Last evaluated: 2019-06-21. Review status: no assertion criteria provided. Collection method: clinical testing. Allele origin: germline.
Comment: This variant is classified as likely benign based on ACMG/AMP sequence variant interpretation guidelines (Richards et al. 2015 PMID: 25741868, with internal and published modifications).

NM_000044.6(AR):c.-543C>A

Gene: AR (androgen receptor; plus strand). Cytogenetic location: Xq12.
Variant type: single nucleotide variant.
Coding change: c.-543C>A on transcript NM_000044.6 (MANE Select); 543 bases upstream of the start codon, C replaced by A.
Molecular consequence: 5 prime UTR variant.
Genome position (GRCh38, 1-based): chrX:67,544,604, C>A. VCF-style: chrX-67544604-C-A. GRCh37 (hg19) VCF-style: chrX-66764446-C-A.
Other names: c.-543C>A (NM_001424175.1).
Identifiers: ClinVar variation 3042858 (VCV003042858.2), dbSNP rs1929617885, ClinGen allele CA2435065888.